The following is an entry in ClinVar:

NM_000061.3(BTK):c.1103-2A>C

Gene: BTK (Bruton tyrosine kinase; minus strand). Cytogenetic location: Xq22.1.
Variant type: single nucleotide variant.
Coding change: c.1103-2A>C on transcript NM_000061.3 (MANE Select); the canonical splice acceptor site of the intron before coding-DNA position 1103, A replaced by C.
Molecular consequence: splice acceptor variant. On other transcripts: intron variant (1).
Genome position (GRCh38, 1-based): chrX:101,357,585, T>G on the plus strand (A>C on the coding strand, the complement: BTK is on the minus strand). VCF-style: chrX-101357585-T-G. GRCh37 (hg19) VCF-style: chrX-100612573-T-G.
Other names: c.1205-2A>C (NM_001287344.2); c.1038+789A>C (NM_001287345.2).
Identifiers: ClinVar variation 3239439 (VCV003239439.19), dbSNP rs1603005659.
Genomic context (GRCh38, chrX:101,357,585, plus strand): 5'-AGTGGAAGGTGCATTCTTGTTTTGTTGAGACACTGGATATTTGAGCCTGGATATGAGTCC[T>G]GAAACAGAGAGAGAGGTCATGCTGTTGGTGTGGTGTAGGAGGTGGGATGCCTCACACATC-3'

ClinVar aggregate classification (germline): Likely pathogenic (1 of 4 stars; one submission).

Submission:

CeGaT Center for Human Genetics Tuebingen
Classification: Likely pathogenic. Last evaluated: 2024-11-01. Review status: criteria provided, single submitter. Criteria: CeGaT Center For Human Genetics Tuebingen Variant Classification Criteria Version 2. Collection method: clinical testing. Allele origin: germline. Affected: yes. Observed: 2 variant alleles.
Comment: BTK: PVS1:Strong, PM2, PS1:Supporting